The following is an entry in ClinVar:

ClinVar aggregate classification (germline): Likely benign (0 of 4 stars; one submission).

Conditions:
PLXNA4-related disorder. Also called: PLXNA4-related condition.

Allele frequency attached by ClinVar (database versions not stated): ExAC 0.00006; gnomAD 0.00007; TOPMed 0.00007; ESP Exome Variant Server 0.00015; gnomAD exomes 0.00021.
gnomAD v4.1: 304 of 1,604,842 alleles (0.019%); highest among the groups gnomAD compares: Non-Finnish European, 0.025%; no homozygotes.

Submission:

PreventionGenetics, part of Exact Sciences
Classification: Likely benign for PLXNA4-related condition. Last evaluated: 2022-04-06. Review status: no assertion criteria provided. Collection method: clinical testing. Allele origin: germline.
Comment: This variant is classified as likely benign based on ACMG/AMP sequence variant interpretation guidelines (Richards et al. 2015 PMID: 25741868, with internal and published modifications).

NM_020911.2(PLXNA4):c.1188+7A>G

Gene: PLXNA4 (plexin A4; minus strand). Cytogenetic location: 7q32.3.
Variant type: single nucleotide variant.
Coding change: c.1188+7A>G on transcript NM_020911.2 (MANE Select); 7 bases into the intron after coding-DNA position 1188, A replaced by G.
Molecular consequence: intron variant.
Genome position (GRCh38, 1-based): chr7:132,507,499, T>C on the plus strand (A>G on the coding strand, the complement: PLXNA4 is on the minus strand). VCF-style: chr7-132507499-T-C. GRCh37 (hg19) VCF-style: chr7-132192258-T-C.
Other names: c.1188+7A>G (NM_001393897.1, NM_001105543.2, NM_181775.4).
Identifiers: ClinVar variation 3055238 (VCV003055238.2), dbSNP rs368770784, ClinGen allele CA4490360.